The following is an entry in ClinVar:

ClinVar aggregate classification (germline): Uncertain significance (1 of 4 stars; one submission).

Allele frequency attached by ClinVar (database versions not stated): gnomAD exomes below 0.00001.
gnomAD v4.1: 4 of 1,600,492 alleles (0.00025%); highest among the groups gnomAD compares: South Asian, 0.0011%; no homozygotes.

Submission:

Labcorp Genetics (formerly Invitae), Labcorp
Classification: Uncertain significance. Last evaluated: 2022-09-25. Review status: criteria provided, single submitter. Criteria: Invitae Variant Classification Sherloc (09022015). Collection method: clinical testing. Allele origin: germline.
Comment: This sequence change replaces tyrosine, which is neutral and polar, with cysteine, which is neutral and slightly polar, at codon 977 of the TECTA protein (p.Tyr977Cys). This variant is not present in population databases (gnomAD no frequency). This variant has not been reported in the literature in individuals affected with TECTA-related conditions. Advanced modeling of protein sequence and biophysical properties (such as structural, functional, and spatial information, amino acid conservation, physicochemical variation, residue mobility, and thermodynamic stability) performed at Invitae indicates that this missense variant is not expected to disrupt TECTA protein function. In summary, the available evidence is currently insufficient to determine the role of this variant in disease. Therefore, it has been classified as a Variant of Uncertain Significance.

NM_005422.4(TECTA):c.2930A>G (p.Tyr977Cys)

Genes: TBCEL-TECTA (TBCEL-TECTA readthrough; plus strand), TECTA (tectorin alpha; plus strand), LOC126861365 (P300/CBP strongly-dependent group 1 enhancer GRCh37_chr11:121000154-121001353; plus strand). Cytogenetic location: 11q23.3.
Variant type: single nucleotide variant.
Coding change: c.2930A>G on transcript NM_005422.4 (MANE Select); coding-DNA position 2930, A replaced by G.
Protein change: p.Tyr977Cys; replaces tyrosine 977 with cysteine.
Molecular consequence: missense variant.
Genome position (GRCh38, 1-based): chr11:121,130,200, A>G. VCF-style: chr11-121130200-A-G. GRCh37 (hg19) VCF-style: chr11-121000909-A-G.
Other names: c.3887A>G, p.Tyr1296Cys (NM_001378761.1); short protein forms Y1296C, Y977C.
Identifiers: ClinVar variation 1720367 (VCV001720367.6), dbSNP rs2496926557, ClinGen allele CA383017531.